The following is an entry in ClinVar:

ClinVar aggregate classification (germline): Uncertain significance. Review status: criteria provided, multiple submitters, no conflicts (2 of 4 stars). 2 submissions from 2 submitters: Uncertain significance (2). Last evaluated 2025-12-07.

Conditions:
Cardiovascular phenotype. Identifiers: MedGen CN230736.
RASopathy. Also called: rasopathies; Noonan spectrum disorder. Identifiers: Orphanet 536391, MedGen C5555857, MONDO:0021060.

gnomAD v4.1: 2 of 1,613,768 alleles (0.00012%); highest among the groups gnomAD compares: South Asian, 0.0011%; no homozygotes.

Submissions (2):

Ambry Genetics
Classification: Uncertain significance for Cardiovascular phenotype. Last evaluated: 2025-12-07. Review status: criteria provided, single submitter. Criteria: Ambry Variant Classification Scheme 2023. Collection method: clinical testing. Allele origin: germline.
Comment: The p.E565K variant (also known as c.1693G>A), located in coding exon 10 of the SOS1 gene, results from a G to A substitution at nucleotide position 1693. The glutamic acid at codon 565 is replaced by lysine, an amino acid with similar properties. This amino acid position is conserved. In addition, the in silico prediction for this alteration is inconclusive. Based on the available evidence, the clinical significance of this variant remains unclear.

Labcorp Genetics (formerly Invitae), Labcorp
Classification: Uncertain significance for RASopathy. Last evaluated: 2025-05-05. Review status: criteria provided, single submitter. Criteria: Invitae Variant Classification Sherloc (09022015). Collection method: clinical testing. Allele origin: germline.
Comment: This sequence change replaces glutamic acid, which is acidic and polar, with lysine, which is basic and polar, at codon 565 of the SOS1 protein (p.Glu565Lys). This variant is present in population databases (no rsID available, gnomAD 0.003%). This variant has not been reported in the literature in individuals affected with SOS1-related conditions. ClinVar contains an entry for this variant (Variation ID: 3447356). Invitae Evidence Modeling of protein sequence and biophysical properties (such as structural, functional, and spatial information, amino acid conservation, physicochemical variation, residue mobility, and thermodynamic stability) has been performed for this missense variant. However, the output from this modeling did not meet the statistical confidence thresholds required to predict the impact of this variant on SOS1 protein function. In summary, the available evidence is currently insufficient to determine the role of this variant in disease. Therefore, it has been classified as a Variant of Uncertain Significance.

NM_005633.4(SOS1):c.1693G>A (p.Glu565Lys)

Gene: SOS1 (SOS Ras/Rac guanine nucleotide exchange factor 1; minus strand). Cytogenetic location: 2p22.1.
Variant type: single nucleotide variant.
Coding change: c.1693G>A on transcript NM_005633.4 (MANE Select); coding-DNA position 1693, G replaced by A.
Protein change: p.Glu565Lys; replaces glutamic acid 565 with lysine.
Molecular consequence: missense variant.
Genome position (GRCh38, 1-based): chr2:39,022,735, C>T on the plus strand (G>A on the coding strand, the complement: SOS1 is on the minus strand). VCF-style: chr2-39022735-C-T. GRCh37 (hg19) VCF-style: chr2-39249876-C-T.
Other names: c.1672G>A, p.Glu558Lys (NM_001382394.1); c.1693G>A, p.Glu565Lys (NM_001382395.1); short protein forms E558K, E565K.
Identifiers: ClinVar variation 3447356 (VCV003447356.4).